The following is an entry in ClinVar:

ClinVar aggregate classification (germline): Uncertain significance. Review status: criteria provided, multiple submitters, no conflicts (2 of 4 stars). 2 submissions from 2 submitters: Uncertain significance (2). Last evaluated 2021-08-03.

Conditions:
Long QT syndrome 11 (LQT11). Identifiers: Orphanet 101016, Orphanet 768, MedGen C2678483, MONDO:0012738, OMIM 611820.
Long QT syndrome (LQTS). Identifiers: MedGen C0023976, MeSH D008133, MONDO:0002442. Disease mechanism: loss of function. Inheritance: Various modes of inheritance.

Allele frequency attached by ClinVar (database versions not stated): gnomAD 0.00001; gnomAD exomes 0.00001; ExAC 0.00002; TOPMed 0.00002.

Submissions (2):

Fulgent Genetics
Classification: Uncertain significance for Long QT syndrome 11. Last evaluated: 2021-08-03. Review status: criteria provided, single submitter. Criteria: ACMG Guidelines, 2015. Collection method: clinical testing. Allele origin: unknown.

Labcorp Genetics (formerly Invitae), Labcorp
Classification: Uncertain significance for Long QT syndrome. Last evaluated: 2020-01-24. Review status: criteria provided, single submitter. Criteria: Invitae Variant Classification Sherloc (09022015). Collection method: clinical testing. Allele origin: germline.
Comment: In summary, the available evidence is currently insufficient to determine the role of this variant in disease. Therefore, it has been classified as a Variant of Uncertain Significance. This sequence change replaces threonine with isoleucine at codon 567 of the AKAP9 protein (p.Thr567Ile). The threonine residue is moderately conserved and there is a moderate physicochemical difference between threonine and isoleucine. This variant is present in population databases (rs754575296, ExAC 0.003%). This variant has not been reported in the literature in individuals with AKAP9-related conditions. Algorithms developed to predict the effect of missense changes on protein structure and function are either unavailable or do not agree on the potential impact of this missense change (SIFT: "Tolerated"; PolyPhen-2: "Possibly Damaging"; Align-GVGD: "Class C0").

NM_005751.5(AKAP9):c.1700C>T (p.Thr567Ile)

Gene: AKAP9 (A-kinase anchoring protein 9; plus strand). Cytogenetic location: 7q21.2.
Variant type: single nucleotide variant.
Coding change: c.1700C>T on transcript NM_005751.5 (MANE Select); coding-DNA position 1700, C replaced by T.
Protein change: p.Thr567Ile; replaces threonine 567 with isoleucine.
Molecular consequence: missense variant.
Genome position (GRCh38, 1-based): chr7:92,001,617, C>T. VCF-style: chr7-92001617-C-T. GRCh37 (hg19) VCF-style: chr7-91630931-C-T.
Other names: c.1700C>T, p.Thr567Ile (NM_147185.3); short protein forms T567I.
Identifiers: ClinVar variation 839002 (VCV000839002.10), dbSNP rs754575296, ClinGen allele CA4336048.
Genomic context (GRCh38, chr7:92,001,617, plus strand): 5'-CTAGACAGACAATAGCTGAACAAGAAAGTAAACTTAATGAAGCACATAAGTCCCTTAGTA[C>T]AGTGGAAGATTTGAAAGCTGAGATTGTTTCTGCATCTGAATCCAGAAAGGAACTAGAATT-3'
Protein context (NP_005742.4, residues 557-577): KLNEAHKSLS[Thr567Ile]VEDLKAEIVS